The following is an entry in ClinVar:

NR_001566.3(TERC):n.335_340GGGCGA[3]

Genes: TERC (telomerase RNA component; minus strand), LOC110806306 (telomerase RNA component (TERC) promoter; plus strand). Cytogenetic location: 3q26.2.
Variant type: Microsatellite.
Genome position: GRCh38 VCF-style: chr3-169764712-A-ACCTCGC. GRCh37 (hg19) VCF-style: chr3-169482500-A-ACCTCGC.
Identifiers: ClinVar variation 639928 (VCV000639928.9), dbSNP rs1577384138, ClinGen allele CA915941620.
Genomic context (GRCh38, chr3:169,764,712, plus strand): 5'-GGAATCGCGCCGCGCGCGGGGACTCGCTCCGTTCCTCTTCCTGCGGCCTGAAAGGCCTGA[A>ACCTCGC]CCTCGCCCTCGCCCCCGAGAGACCCGCGGCTGACAGAGCCCAACTCTTCGCGGTGGCAGT-3'

ClinVar aggregate classification (germline): Uncertain significance (1 of 4 stars; one submission).

Conditions:
Dyskeratosis congenita, autosomal dominant 1 (DKCA1). Also called: Dyskeratosis congenita Scoggins type. Identifiers: Orphanet 1775, MedGen C4551974, MONDO:0007485, OMIM 127550. Inheritance: Variable.

Submission:

Labcorp Genetics (formerly Invitae), Labcorp
Classification: Uncertain significance for Dyskeratosis congenita, autosomal dominant 1. Last evaluated: 2024-11-11. Review status: criteria provided, single submitter. Criteria: Invitae Variant Classification Sherloc (09022015). Collection method: clinical testing. Allele origin: germline.
Comment: This variant occurs in the TERC gene, which encodes an RNA molecule that does not result in a protein product. This variant is not present in population databases (gnomAD no frequency). This variant has not been reported in the literature in individuals affected with TERC-related conditions. ClinVar contains an entry for this variant (Variation ID: 639928). This variant is located within the BoxH/ACA scaRNA domain of the TERC RNA component, which is required for telomerase activity (PMID: 21844345). In summary, the available evidence is currently insufficient to determine the role of this variant in disease. Therefore, it has been classified as a Variant of Uncertain Significance.

Literature cited by the submitters: PubMed 21844345.